The following is an entry in ClinVar:

NM_003865.3(HESX1):c.173del (p.Leu58fs)

Gene: HESX1 (HESX homeobox 1; minus strand). Cytogenetic location: 3p14.3.
Variant type: Deletion.
Coding change: c.173del on transcript NM_003865.3 (MANE Select); coding-DNA position 173, one base deleted (T; older notation c.173delT).
Protein change: p.Leu58fs; shifts the reading frame from leucine 58.
Molecular consequence: frameshift variant.
Genome position (GRCh38, 1-based): chr3:57,198,937, A deleted on the plus strand (T on the coding strand, the reverse complement: HESX1 is on the minus strand); the first of 2 consecutive A bases (chr3:57,198,937-57,198,938); deleting either gives the same sequence. VCF-style (leftmost placement, unchanged base first): chr3-57198936-TA-T. GRCh37 (hg19) VCF-style: chr3-57232964-TA-T.
Other names: c.173del, p.Leu58fs (NM_001376058.1, NM_001376059.1, NM_001376060.1 and 1 more transcripts); short protein forms L58fs.
Identifiers: ClinVar variation 1405989 (VCV001405989.6), dbSNP rs2060466023, ClinGen allele CA1367077710.
Genomic context (GRCh38, chr3:57,198,936, plus strand): 5'-TGGGTGATCCACCACGCTAGGGAATGAAATCCCACTGGGAGGATTTGGGACATGTAGACA[TA>T]AGTTACCATCTTTCCCTAAAAACAAAAAAATAAGCCCTGTCTTAGATGGTCAATCTTATG-3'

ClinVar aggregate classification (germline): Pathogenic (1 of 4 stars; one submission).

Conditions:
Septo-optic dysplasia sequence (SOD). Also called: DE MORSIER SYNDROME; Septo-optic dysplasia. Identifiers: Orphanet 3157, MedGen C0338503, MONDO:0008428, OMIM 182230, HP:0100842.
GROWTH HORMONE DEFICIENCY WITH PITUITARY ANOMALIES. Identifiers: MedGen C2750027, OMIM 182230.

Submission:

Labcorp Genetics (formerly Invitae), Labcorp
Classification: Pathogenic for GROWTH HORMONE DEFICIENCY WITH PITUITARY ANOMALIES; Septo-optic dysplasia sequence. Last evaluated: 2022-02-28. Review status: criteria provided, single submitter. Criteria: Invitae Variant Classification Sherloc (09022015). Collection method: clinical testing. Allele origin: germline.
Comment: This variant is not present in population databases (gnomAD no frequency). This sequence change creates a premature translational stop signal (p.Leu58Tyrfs*42) in the HESX1 gene. It is expected to result in an absent or disrupted protein product. Loss-of-function variants in HESX1 are known to be pathogenic (PMID: 9620767, 16940453, 21270112). This variant has not been reported in the literature in individuals affected with HESX1-related conditions. For these reasons, this variant has been classified as Pathogenic.

Literature cited by the submitters: PubMed 9620767; PubMed 16940453; PubMed 21270112.